The following is an entry in ClinVar:

NM_145239.3(PRRT2):c.535C>T (p.Gln179Ter)

Genes: MVP-DT (MVP divergent transcript; minus strand), PRRT2 (proline rich transmembrane protein 2; plus strand). Cytogenetic location: 16p11.2.
Variant type: single nucleotide variant.
Coding change: c.535C>T on transcript NM_145239.3 (MANE Select); coding-DNA position 535, C replaced by T.
Protein change: p.Gln179Ter; replaces glutamine 179 with a stop codon.
Molecular consequence: nonsense.
Genome position (GRCh38, 1-based): chr16:29,813,589, C>T. VCF-style: chr16-29813589-C-T. GRCh37 (hg19) VCF-style: chr16-29824910-C-T.
Other names: c.535C>T, p.Gln179Ter (NM_001256442.2, NM_001256443.2); short protein forms Q179*.
Identifiers: ClinVar variation 1352762 (VCV001352762.6), dbSNP rs2142425167, ClinGen allele CA395478903.
Genomic context (GRCh38, chr16:29,813,589, plus strand): 5'-GAGCTCCCTACCCAGGAGGACCCCACCCCTGAGATTCTGTCTGAGAGTGTAGGGGAAAAG[C>T]AAGAGAATGGGGCAGTGGTGCCCCTGCAGGCTGGTGATGGGGAAGAGGGCCCAGCCCCTG-3'

ClinVar aggregate classification (germline): Pathogenic (1 of 4 stars; one submission).

Conditions:
Episodic kinesigenic dyskinesia (EKD). Also called: Paroxysmal kinesigenic dyskinesia. Identifiers: Orphanet 98809, MedGen C1868682, MONDO:0044202.

Submission:

Labcorp Genetics (formerly Invitae), Labcorp
Classification: Pathogenic for Episodic kinesigenic dyskinesia. Last evaluated: 2023-02-13. Review status: criteria provided, single submitter. Criteria: Invitae Variant Classification Sherloc (09022015). Collection method: clinical testing. Allele origin: germline.
Comment: For these reasons, this variant has been classified as Pathogenic. ClinVar contains an entry for this variant (Variation ID: 1352762). This premature translational stop signal has been observed in individual(s) with paroxysmal kinesigenic dyskinesia (PMID: 33550051). This variant is not present in population databases (gnomAD no frequency). This sequence change creates a premature translational stop signal (p.Gln179*) in the PRRT2 gene. It is expected to result in an absent or disrupted protein product. Loss-of-function variants in PRRT2 are known to be pathogenic (PMID: 22623405, 22744660).

Literature cited by the submitters: PubMed 33550051; PubMed 22623405; PubMed 22744660.